The following is an entry in ClinVar:

ClinVar aggregate classification (germline): Pathogenic (1 of 4 stars; one submission).

Conditions:
Neurofibromatosis, type 1 (NF1). Also called: Peripheral type neurofibromatosis; VON RECKLINGHAUSEN DISEASE; Neurofibromatosis, type I; NEUROFIBROMATOSIS, TYPE I, SOMATIC. Identifiers: Orphanet 636, MedGen C0027831, MONDO:0018975, OMIM 162200. Disease mechanism: loss of function.

Submission:

Labcorp Genetics (formerly Invitae), Labcorp
Classification: Pathogenic for Neurofibromatosis, type 1. Last evaluated: 2019-09-11. Review status: criteria provided, single submitter. Criteria: Invitae Variant Classification Sherloc (09022015). Collection method: clinical testing. Allele origin: germline.
Comment: For these reasons, this variant has been classified as Pathogenic. Loss-of-function variants in NF1 are known to be pathogenic (PMID: 10712197, 23913538). This variant has not been reported in the literature in individuals with NF1-related conditions. This variant is not present in population databases (ExAC no frequency). This sequence change creates a premature translational stop signal (p.Lys1579Glnfs*22) in the NF1 gene. It is expected to result in an absent or disrupted protein product.

Literature cited by the submitters: PubMed 10712197; PubMed 23913538.

NM_001042492.3(NF1):c.4796_4797insG (p.Lys1600fs)

Gene: NF1 (neurofibromin 1; plus strand). Cytogenetic location: 17q11.2.
Variant type: Insertion.
Coding change: c.4796_4797insG on transcript NM_001042492.3 (MANE Select); coding-DNA positions 4796 to 4797, G inserted.
Protein change: p.Lys1600fs; shifts the reading frame from lysine 1600.
Molecular consequence: frameshift variant.
Genome position: GRCh38 VCF-style: chr17-31265300-C-CG. GRCh37 (hg19) VCF-style: chr17-29592318-C-CG.
Other names: c.4733_4734insG, p.Lys1579Glnfs (NM_000267.4); short protein forms K1579fs, K1600fs.
Identifiers: ClinVar variation 940639 (VCV000940639.6), dbSNP rs2067766404, ClinGen allele CA1139665378.